The following is an entry in ClinVar:

ClinVar aggregate classification (germline): Likely benign. Review status: criteria provided, multiple submitters, no conflicts (2 of 4 stars). 2 submissions from 2 submitters: Likely benign (2). Last evaluated 2026-05-05.

Conditions:
TRIM37-related disorder. Also called: TRIM37-related condition.

Allele frequency attached by ClinVar (database versions not stated): gnomAD 0.00001; TOPMed 0.00001; ExAC 0.00002; gnomAD exomes 0.00004; ESP Exome Variant Server 0.00008.
gnomAD v4.1: 58 of 1,611,882 alleles (0.0036%); highest among the groups gnomAD compares: Non-Finnish European, 0.0049%; 1 homozygote.

Submissions (2):

PreventionGenetics, part of Exact Sciences
Classification: Likely benign for TRIM37-related condition. Last evaluated: 2026-05-05. Review status: criteria provided, single submitter. Criteria: ACMG Guidelines, 2015. Collection method: clinical testing. Allele origin: germline.
Comment: This variant is classified as likely benign based on ACMG/AMP sequence variant interpretation guidelines (Richards et al. 2015 PMID: 25741868, with internal and published modifications).

Labcorp Genetics (formerly Invitae), Labcorp
Classification: Likely benign. Last evaluated: 2023-05-30. Review status: criteria provided, single submitter. Criteria: Invitae Variant Classification Sherloc (09022015). Collection method: clinical testing. Allele origin: germline.

NM_015294.6(TRIM37):c.480A>G (p.Leu160=)

Gene: TRIM37 (tripartite motif containing 37; minus strand). Cytogenetic location: 17q22.
Variant type: single nucleotide variant.
Coding change: c.480A>G on transcript NM_015294.6 (MANE Select); coding-DNA position 480, A replaced by G.
Protein change: p.Leu160=; no amino-acid change (leucine 160 retained).
Molecular consequence: synonymous variant. On other transcripts: non-coding transcript variant (2), 5 prime UTR variant (1).
Genome position (GRCh38, 1-based): chr17:59,081,109, T>C on the plus strand (A>G on the coding strand, the complement: TRIM37 is on the minus strand). VCF-style: chr17-59081109-T-C. GRCh37 (hg19) VCF-style: chr17-57158470-T-C.
Other names: c.480A>G (NM_015294.4); c.480A>G, p.Leu160= (NM_001005207.5, NM_001320988.3, NM_001320989.3 and 2 more transcripts); c.378A>G, p.Leu126= (NM_001320987.3, NM_001353082.2); c.114A>G, p.Leu38= (NM_001320990.3); c.-273A>G (NM_001353083.2); c.18A>G, p.Leu6= (NM_001353085.2).
Identifiers: ClinVar variation 2804641 (VCV002804641.4), dbSNP rs374974912, ClinGen allele CA8678617.